The following is an entry in ClinVar:

ClinVar aggregate classification (germline): Uncertain significance (1 of 4 stars; one submission).

Submission:

Labcorp Genetics (formerly Invitae), Labcorp
Classification: Uncertain significance. Last evaluated: 2023-12-07. Review status: criteria provided, single submitter. Criteria: Invitae Variant Classification Sherloc (09022015). Collection method: clinical testing. Allele origin: germline.
Comment: This sequence change replaces proline, which is neutral and non-polar, with leucine, which is neutral and non-polar, at codon 644 of the RASA2 protein (p.Pro644Leu). This variant is not present in population databases (gnomAD no frequency). This variant has not been reported in the literature in individuals affected with RASA2-related conditions. ClinVar contains an entry for this variant (Variation ID: 1388516). An algorithm developed to predict the effect of missense changes on protein structure and function (PolyPhen-2) suggests that this variant is likely to be tolerated. In summary, the available evidence is currently insufficient to determine the role of this variant in disease. Therefore, it has been classified as a Variant of Uncertain Significance.

NM_006506.5(RASA2):c.1931C>T (p.Pro644Leu)

Gene: RASA2 (RAS p21 protein activator 2; plus strand). Cytogenetic location: 3q23.
Variant type: single nucleotide variant.
Coding change: c.1931C>T on transcript NM_006506.5 (MANE Select); coding-DNA position 1931, C replaced by T.
Protein change: p.Pro644Leu; replaces proline 644 with leucine.
Molecular consequence: missense variant.
Genome position (GRCh38, 1-based): chr3:141,586,750, C>T. VCF-style: chr3-141586750-C-T. GRCh37 (hg19) VCF-style: chr3-141305592-C-T.
Other names: c.1931C>T, p.Pro644Leu (NM_001303245.3, NM_001303246.3); short protein forms P644L.
Identifiers: ClinVar variation 1388516 (VCV001388516.6), dbSNP rs1246013948, ClinGen allele CA354782446.